The following is an entry in ClinVar:

ClinVar aggregate classification (germline): Uncertain significance. Review status: criteria provided, multiple submitters, no conflicts (2 of 4 stars). 3 submissions from 3 submitters: Uncertain significance (3). Last evaluated 2024-04-10.

Conditions:
Inborn genetic diseases. Identifiers: MedGen C0950123, MeSH D030342.
Joubert syndrome 3 (JBTS3). Also called: AHI1-related Ciliopathy. Identifiers: Orphanet 220493, MedGen C1837713, MONDO:0012078, OMIM 608629.
Joubert syndrome. Also called: Familial aplasia of the vermis; CEREBELLOPARENCHYMAL DISORDER IV; JOUBERT-BOLTSHAUSER SYNDROME. Identifiers: Orphanet 475, MedGen C5979921, MONDO:0018772.

Allele frequency attached by ClinVar (database versions not stated): gnomAD exomes 0.00001; gnomAD 0.00002; ExAC 0.00003; TOPMed 0.00003.
gnomAD v4.1: 20 of 1,523,978 alleles (0.0013%); highest among the groups gnomAD compares: African/African-American, 0.0068%; no homozygotes.

Submissions (3):

Fulgent Genetics
Classification: Uncertain significance for Joubert syndrome 3. Last evaluated: 2024-04-10. Review status: criteria provided, single submitter. Criteria: ACMG Guidelines, 2015. Collection method: clinical testing. Allele origin: germline.

Labcorp Genetics (formerly Invitae), Labcorp
Classification: Uncertain significance for Joubert syndrome. Last evaluated: 2022-08-23. Review status: criteria provided, single submitter. Criteria: Invitae Variant Classification Sherloc (09022015). Collection method: clinical testing. Allele origin: germline.
Comment: This sequence change replaces arginine, which is basic and polar, with glutamine, which is neutral and polar, at codon 830 of the AHI1 protein (p.Arg830Gln). The frequency data for this variant in the population databases is considered unreliable, as metrics indicate poor data quality at this position in the gnomAD database. This variant has not been reported in the literature in individuals affected with AHI1-related conditions. ClinVar contains an entry for this variant (Variation ID: 954799). Algorithms developed to predict the effect of missense changes on protein structure and function are either unavailable or do not agree on the potential impact of this missense change (SIFT: "Deleterious"; PolyPhen-2: "Probably Damaging"; Align-GVGD: "Class C0"). Algorithms developed to predict the effect of sequence changes on RNA splicing suggest that this variant may create or strengthen a splice site. In summary, the available evidence is currently insufficient to determine the role of this variant in disease. Therefore, it has been classified as a Variant of Uncertain Significance.

Ambry Genetics
Classification: Uncertain significance for Inborn genetic diseases. Last evaluated: 2021-10-12. Review status: criteria provided, single submitter. Criteria: Ambry Variant Classification Scheme 2023. Collection method: clinical testing. Allele origin: germline.

NM_001134831.2(AHI1):c.2489G>A (p.Arg830Gln)

Gene: AHI1 (Abelson helper integration site 1; minus strand). Cytogenetic location: 6q23.3.
Variant type: single nucleotide variant.
Coding change: c.2489G>A on transcript NM_001134831.2 (MANE Select); coding-DNA position 2489, G replaced by A.
Protein change: p.Arg830Gln; replaces arginine 830 with glutamine.
Molecular consequence: missense variant.
Genome position (GRCh38, 1-based): chr6:135,429,885, C>T on the plus strand (G>A on the coding strand, the complement: AHI1 is on the minus strand). VCF-style: chr6-135429885-C-T. GRCh37 (hg19) VCF-style: chr6-135751023-C-T.
Other names: c.2489G>A, p.Arg830Gln (NM_001134830.2, NM_001134832.2, NM_001350503.2 and 2 more transcripts); short protein forms R830Q.
Identifiers: ClinVar variation 954799 (VCV000954799.10), dbSNP rs775785006, ClinGen allele CA4012370.